The following is an entry in ClinVar:

NM_000179.3(MSH6):c.2965A>C (p.Asn989His)

Gene: MSH6 (mutS homolog 6; plus strand). Cytogenetic location: 2p16.3.
Variant type: single nucleotide variant.
Coding change: c.2965A>C on transcript NM_000179.3 (MANE Select); coding-DNA position 2965, A replaced by C.
Protein change: p.Asn989His; replaces asparagine 989 with histidine.
Molecular consequence: missense variant.
Genome position (GRCh38, 1-based): chr2:47,800,948, A>C. VCF-style: chr2-47800948-A-C. GRCh37 (hg19) VCF-style: chr2-48028087-A-C.
Other names: c.2059A>C, p.Asn687His (NM_001281494.2, NM_001281493.2); c.2575A>C, p.Asn859His (NM_001281492.2); short protein forms N859H, N687H, N989H.
Identifiers: ClinVar variation 923002 (VCV000923002.13), dbSNP rs1669533426, ClinGen allele CA346756293.

ClinVar aggregate classification (germline): Uncertain significance. Review status: criteria provided, multiple submitters, no conflicts (2 of 4 stars). 2 submissions from 2 submitters: Uncertain significance (2). Last evaluated 2023-12-04.

Conditions:
Hereditary nonpolyposis colorectal neoplasms. Identifiers: MedGen C0009405, MeSH D003123.
Hereditary cancer-predisposing syndrome. Also called: Neoplastic Syndromes, Hereditary; Tumor predisposition; Hereditary Cancer Syndrome; Hereditary neoplastic syndrome. Identifiers: Orphanet 140162, MedGen C0027672, MeSH D009386, MONDO:0015356.

gnomAD v4.1: 1 of 1,571,470 alleles (0.000064%); highest among the groups gnomAD compares: Non-Finnish European, 0.000086%; no homozygotes.

Submissions (2):

Color Diagnostics, LLC DBA Color Health
Classification: Uncertain significance for Hereditary cancer-predisposing syndrome. Last evaluated: 2023-12-04. Review status: criteria provided, single submitter. Criteria: ACMG Guidelines, 2015. Collection method: clinical testing. Allele origin: germline.
Comment: This missense variant replaces asparagine with histidine at codon 989 of the MSH6 protein. Computational prediction tools and conservation analyses are inconclusive regarding the impact of this variant on the protein function. Computational splicing tools suggest that this variant may not impact RNA splicing. To our knowledge, functional assays have not been performed for this variant nor has this variant been reported in individuals affected with hereditary cancer in the literature. This variant has not been identified in the general population by the Genome Aggregation Database (gnomAD). Available evidence is insufficient to determine the role of this variant in disease conclusively. Therefore, this variant is classified as a Variant of Uncertain Significance.

Labcorp Genetics (formerly Invitae), Labcorp
Classification: Uncertain significance for Hereditary nonpolyposis colorectal neoplasms. Last evaluated: 2021-01-31. Review status: criteria provided, single submitter. Criteria: Invitae Variant Classification Sherloc (09022015). Collection method: clinical testing. Allele origin: germline.
Comment: In summary, the available evidence is currently insufficient to determine the role of this variant in disease. Therefore, it has been classified as a Variant of Uncertain Significance. This sequence change replaces asparagine with histidine at codon 989 of the MSH6 protein (p.Asn989His). The asparagine residue is moderately conserved and there is a small physicochemical difference between asparagine and histidine. This variant is not present in population databases (ExAC no frequency). This variant has not been reported in the literature in individuals with MSH6-related conditions. ClinVar contains an entry for this variant (Variation ID: 923002). Advanced modeling of protein sequence and biophysical properties (such as structural, functional, and spatial information, amino acid conservation, physicochemical variation, residue mobility, and thermodynamic stability) performed at Invitae indicates that this missense variant is not expected to disrupt MSH6 protein function.